The following is an entry in ClinVar:

ClinVar aggregate classification (germline): Uncertain significance. Review status: criteria provided, multiple submitters, no conflicts (2 of 4 stars). 2 submissions from 2 submitters: Uncertain significance (2). Last evaluated 2025-12-23.

Conditions:
Dystonia 12 (DYT12). Also called: Rapid-Onset Dystonia-Parkinsonism (RDP); DYT-ATP1A3. Identifiers: Orphanet 71517, MedGen C1868681, MONDO:0007496, OMIM 128235.

Submissions (2):

Labcorp Genetics (formerly Invitae), Labcorp
Classification: Uncertain significance for Dystonia 12. Last evaluated: 2025-12-23. Review status: criteria provided, single submitter. Criteria: Invitae Variant Classification Sherloc (09022015). Collection method: clinical testing. Allele origin: germline.
Comment: This sequence change replaces glutamic acid, which is acidic and polar, with lysine, which is basic and polar, at codon 112 of the ATP1A3 protein (p.Glu112Lys). This variant is not present in population databases (gnomAD no frequency). This variant has not been reported in the literature in individuals affected with ATP1A3-related conditions. Invitae Evidence Modeling of protein sequence and biophysical properties (such as structural, functional, and spatial information, amino acid conservation, physicochemical variation, residue mobility, and thermodynamic stability) has been performed for this missense variant. However, the output from this modeling did not meet the statistical confidence thresholds required to predict the impact of this variant on ATP1A3 protein function. In summary, the available evidence is currently insufficient to determine the role of this variant in disease. Therefore, it has been classified as a Variant of Uncertain Significance.

Women's Health and Genetics/Laboratory Corporation of America, LabCorp
Classification: Uncertain significance. Last evaluated: 2025-12-12. Review status: criteria provided, single submitter. Criteria: LabCorp Variant Classification Summary - May 2015. Collection method: clinical testing. Allele origin: germline.
Comment: Variant summary: ATP1A3 c.334G>A (p.Glu112Lys) results in a conservative amino acid change located in the Cation-transporting P-type ATPase, N-terminal domain (IPR004014) of the encoded protein sequence. Algorithms developed to predict the effect of missense changes on protein structure and function are either unavailable or do not agree on the potential impact of this missense change. The variant was absent in 251330 control chromosomes. The available data on variant occurrences in the general population are insufficient to allow any conclusion about variant significance. To our knowledge, no occurrence of c.334G>A in individuals affected with ATP1A3-related conditions and no experimental evidence demonstrating its impact on protein function have been reported. No submitters have cited clinical-significance assessments for this variant to ClinVar. Based on the evidence outlined above, the variant was classified as uncertain significance.

NM_152296.5(ATP1A3):c.334G>A (p.Glu112Lys)

Gene: ATP1A3 (ATPase Na+/K+ transporting subunit alpha 3; minus strand). Cytogenetic location: 19q13.2.
Variant type: single nucleotide variant.
Coding change: c.334G>A on transcript NM_152296.5 (MANE Select); coding-DNA position 334, G replaced by A.
Protein change: p.Glu112Lys; replaces glutamic acid 112 with lysine.
Molecular consequence: missense variant.
Genome position (GRCh38, 1-based): chr19:41,987,959, C>T on the plus strand (G>A on the coding strand, the complement: ATP1A3 is on the minus strand). VCF-style: chr19-41987959-C-T. GRCh37 (hg19) VCF-style: chr19-42492111-C-T.
Other names: c.367G>A, p.Glu123Lys (NM_001256213.2); c.373G>A, p.Glu125Lys (NM_001256214.2); short protein forms E112K, E123K, E125K.
Identifiers: ClinVar variation 4688341 (VCV004688341.2).